The following is an entry in ClinVar:

ClinVar aggregate classification (germline): Uncertain significance. Review status: criteria provided, multiple submitters, no conflicts (2 of 4 stars). 2 submissions from 2 submitters: Uncertain significance (2). Last evaluated 2025-11-05.

Conditions:
Hereditary cancer-predisposing syndrome. Also called: Hereditary Cancer Syndrome; Neoplastic Syndromes, Hereditary; Hereditary neoplastic syndrome; Tumor predisposition. Identifiers: Orphanet 140162, MedGen C0027672, MeSH D009386, MONDO:0015356.
Ataxia-telangiectasia syndrome (AT). Also called: Cerebello-oculocutaneous telangiectasia; Immunodeficiency with ataxia telangiectasia; Ataxia-telangiectasia, complementation group E; Ataxia-telangiectasia, complementation group D; AT, COMPLEMENTATION GROUP C; ATAXIA-TELANGIECTASIA, COMPLEMENTATION GROUP A. Identifiers: Orphanet 100, MedGen C0004135, MONDO:0008840, OMIM 208900.

Allele frequency attached by ClinVar (database versions not stated): gnomAD exomes below 0.00001 and 0.00001; ExAC 0.00002.
gnomAD v4.1: 2 of 1,613,704 alleles (0.00012%); highest among the groups gnomAD compares: South Asian, 0.0022%; no homozygotes.

Submissions (2):

Labcorp Genetics (formerly Invitae), Labcorp
Classification: Uncertain significance for Ataxia-telangiectasia syndrome. Last evaluated: 2025-11-05. Review status: criteria provided, single submitter. Criteria: Invitae Variant Classification Sherloc (09022015). Collection method: clinical testing. Allele origin: germline.
Comment: This sequence change replaces asparagine, which is neutral and polar, with threonine, which is neutral and polar, at codon 704 of the ATM protein (p.Asn704Thr). This variant is present in population databases (rs753903558, gnomAD 0.007%). This variant has not been reported in the literature in individuals affected with ATM-related conditions. ClinVar contains an entry for this variant (Variation ID: 820744). Invitae Evidence Modeling of protein sequence and biophysical properties (such as structural, functional, and spatial information, amino acid conservation, physicochemical variation, residue mobility, and thermodynamic stability) indicates that this missense variant is not expected to disrupt ATM protein function with a negative predictive value of 95%. In summary, the available evidence is currently insufficient to determine the role of this variant in disease. Therefore, it has been classified as a Variant of Uncertain Significance.

Ambry Genetics
Classification: Uncertain significance for Hereditary cancer-predisposing syndrome. Last evaluated: 2023-02-28. Review status: criteria provided, single submitter. Criteria: Ambry Variant Classification Scheme 2023. Collection method: clinical testing. Allele origin: germline.
Comment: The p.N704T variant (also known as c.2111A>C), located in coding exon 12 of the ATM gene, results from an A to C substitution at nucleotide position 2111. The asparagine at codon 704 is replaced by threonine, an amino acid with similar properties. This amino acid position is not well conserved in available vertebrate species. In addition, this alteration is predicted to be tolerated by in silico analysis. Since supporting evidence is limited at this time, the clinical significance of this alteration remains unclear.

NM_000051.4(ATM):c.2111A>C (p.Asn704Thr)

Gene: ATM (ATM serine/threonine kinase; plus strand). Cytogenetic location: 11q22.3.
Variant type: single nucleotide variant.
Coding change: c.2111A>C on transcript NM_000051.4 (MANE Select); coding-DNA position 2111, A replaced by C.
Protein change: p.Asn704Thr; replaces asparagine 704 with threonine.
Molecular consequence: missense variant.
Genome position (GRCh38, 1-based): chr11:108,254,026, A>C. VCF-style: chr11-108254026-A-C. GRCh37 (hg19) VCF-style: chr11-108124753-A-C.
Other names: c.2111A>C, p.Asn704Thr (NM_001351834.2); short protein forms N704T.
Identifiers: ClinVar variation 820744 (VCV000820744.11), dbSNP rs753903558, ClinGen allele CA6264929.
Genomic context (GRCh38, chr11:108,254,026, plus strand): 5'-AGAATCTCAAGGAATCACTGGATCGCTGTCTTCTGGGATTATCAGAACAGCTTCTGAATA[A>C]TTACTCATCTGAGGTGAGATTTTTTAAAAAAAGAACTAAGCTTATATATGATTCAACTTT-3'
Protein context (NP_000042.3, residues 694-714): LLGLSEQLLN[Asn704Thr]YSSEITNSET